The following is an entry in ClinVar:

NM_182643.3(DLC1):c.1927C>G (p.Pro643Ala)

Gene: DLC1 (DLC1 Rho GTPase activating protein; minus strand). Cytogenetic location: 8p22.
Variant type: single nucleotide variant.
Coding change: c.1927C>G on transcript NM_182643.3 (MANE Select); coding-DNA position 1927, C replaced by G.
Protein change: p.Pro643Ala; replaces proline 643 with alanine.
Molecular consequence: missense variant.
Genome position (GRCh38, 1-based): chr8:13,100,410, G>C on the plus strand (C>G on the coding strand, the complement: DLC1 is on the minus strand). VCF-style: chr8-13100410-G-C. GRCh37 (hg19) VCF-style: chr8-12957919-G-C.
Other names: c.394C>G, p.Pro132Ala (NM_001164271.2, NM_001348082.2, NM_001348083.1 and 6 more transcripts); c.718C>G, p.Pro240Ala (NM_001316668.2, NM_001413129.1); c.1927C>G, p.Pro643Ala (NM_001348081.2, NM_001413124.1); c.709C>G, p.Pro237Ala (NM_001413130.1); c.367C>G, p.Pro123Ala (NM_001413131.1, NM_001413137.1); c.853C>G, p.Pro285Ala (NM_001413132.1); c.616C>G, p.Pro206Ala (NM_001413135.1, NM_001413136.1, NM_001413139.1 and 1 more transcripts); c.751C>G, p.Pro251Ala (NM_001413140.1); short protein forms P123A, P251A, P240A, P285A, P643A, P132A, P206A, P237A.
Identifiers: ClinVar variation 2858834 (VCV002858834.3), dbSNP rs1818953199, ClinGen allele CA370347087.
Genomic context (GRCh38, chr8:13,100,410, plus strand): 5'-TGGACTTGGCAGTTTTTTCGTGGCCTTTCATGCTGAAGCTGAAGCTGGACAGTTCCTTGG[G>C]AGAGGGCAGGCTGCCGAAAGAGTCGTCATTGCCTGCCAAGTTGCTGGAGGAGCAAACGCT-3'
Protein context (NP_872584.2, residues 633-653): NDDSFGSLPS[Pro643Ala]KELSSFSFSM

ClinVar aggregate classification (germline): Uncertain significance (1 of 4 stars; one submission).

Allele frequency attached by ClinVar (database versions not stated): TOPMed 0.00001.

Submission:

Labcorp Genetics (formerly Invitae), Labcorp
Classification: Uncertain significance. Last evaluated: 2023-06-14. Review status: criteria provided, single submitter. Criteria: Invitae Variant Classification Sherloc (09022015). Collection method: clinical testing. Allele origin: germline.
Comment: In summary, the available evidence is currently insufficient to determine the role of this variant in disease. Therefore, it has been classified as a Variant of Uncertain Significance. An algorithm developed to predict the effect of missense changes on protein structure and function (PolyPhen-2) suggests that this variant is likely to be disruptive. This variant has not been reported in the literature in individuals affected with DLC1-related conditions. This variant is not present in population databases (gnomAD no frequency). This sequence change replaces proline, which is neutral and non-polar, with alanine, which is neutral and non-polar, at codon 643 of the DLC1 protein (p.Pro643Ala).